The following is an entry in ClinVar:

NM_002439.5(MSH3):c.2876C>G (p.Thr959Arg)

Gene: MSH3 (mutS homolog 3; plus strand). Cytogenetic location: 5q14.1.
Variant type: single nucleotide variant.
Coding change: c.2876C>G on transcript NM_002439.5 (MANE Select); coding-DNA position 2876, C replaced by G.
Protein change: p.Thr959Arg; replaces threonine 959 with arginine.
Molecular consequence: missense variant.
Genome position (GRCh38, 1-based): chr5:80,854,192, C>G. VCF-style: chr5-80854192-C-G. GRCh37 (hg19) VCF-style: chr5-80150011-C-G.
Other names: short protein forms T959R.
Identifiers: ClinVar variation 658794 (VCV000658794.17), dbSNP rs778941230, ClinGen allele CA3328389.
Genomic context (GRCh38, chr5:80,854,192, plus strand): 5'-TGGGTGCTGCAGACAATATATATAAAGGACAGAGTACATTTATGGAAGAACTGACTGACA[C>G]AGCAGAAATAATCAGAAAAGCAACATCACAGTCCTTGGTTATCTTGGATGAACTAGGAAG-3'
Protein context (NP_002430.3, residues 949-969): QSTFMEELTD[Thr959Arg]AEIIRKATSQ

ClinVar aggregate classification (germline): Uncertain significance. Review status: criteria provided, multiple submitters, no conflicts (2 of 4 stars). 6 submissions from 6 submitters: Uncertain significance (6). Last evaluated 2026-01-27.

Conditions:
Hereditary cancer-predisposing syndrome. Also called: Hereditary neoplastic syndrome; Neoplastic Syndromes, Hereditary; Hereditary Cancer Syndrome; Tumor predisposition. Identifiers: Orphanet 140162, MedGen C0027672, MeSH D009386, MONDO:0015356.
Endometrial carcinoma. Also called: Endometrial carcinoma, somatic. Identifiers: MedGen C0476089, MONDO:0002447, OMIM 608089, HP:0012114.

Allele frequency attached by ClinVar (database versions not stated): ExAC 0.00001; gnomAD exomes 0.00001 and 0.00008; gnomAD 0.00003; TOPMed 0.00003.
gnomAD v4.1: 118 of 1,613,642 alleles (0.0073%); highest among the groups gnomAD compares: Non-Finnish European, 0.0092%; no homozygotes.

Submissions (6):

Labcorp Genetics (formerly Invitae), Labcorp
Classification: Uncertain significance. Last evaluated: 2026-01-27. Review status: criteria provided, single submitter. Criteria: Invitae Variant Classification Sherloc (09022015). Collection method: clinical testing. Allele origin: germline.
Comment: This sequence change replaces threonine, which is neutral and polar, with arginine, which is basic and polar, at codon 959 of the MSH3 protein (p.Thr959Arg). This variant is present in population databases (rs778941230, gnomAD 0.002%). This variant has not been reported in the literature in individuals affected with MSH3-related conditions. ClinVar contains an entry for this variant (Variation ID: 658794). An algorithm developed to predict the effect of missense changes on protein structure and function (PolyPhen-2) suggests that this variant is likely to be disruptive. In summary, the available evidence is currently insufficient to determine the role of this variant in disease. Therefore, it has been classified as a Variant of Uncertain Significance.

Quest Diagnostics Nichols Institute San Juan Capistrano
Classification: Uncertain significance. Last evaluated: 2024-07-25. Review status: criteria provided, single submitter. Criteria: Quest Diagnostics criteria. Collection method: clinical testing. Allele origin: unknown.

Ambry Genetics
Classification: Uncertain significance for Hereditary cancer-predisposing syndrome. Last evaluated: 2024-05-27. Review status: criteria provided, single submitter. Criteria: Ambry Variant Classification Scheme 2023. Collection method: clinical testing. Allele origin: germline.
Comment: The p.T959R variant (also known as c.2876C>G), located in coding exon 21 of the MSH3 gene, results from a C to G substitution at nucleotide position 2876. The threonine at codon 959 is replaced by arginine, an amino acid with similar properties. This amino acid position is not well conserved in available vertebrate species. In addition, this alteration is predicted to be deleterious by in silico analysis. Since supporting evidence is limited at this time, the clinical significance of this alteration remains unclear.

Baylor Genetics
Classification: Uncertain significance for Endometrial carcinoma. Last evaluated: 2024-03-27. Review status: criteria provided, single submitter. Criteria: ACMG Guidelines, 2015. Collection method: clinical testing. Allele origin: unknown.

GeneDx
Classification: Uncertain significance. Last evaluated: 2022-06-03. Review status: criteria provided, single submitter. Criteria: GeneDx Variant Classification Process June 2021. Collection method: clinical testing. Allele origin: germline. Affected: yes.
Comment: Not observed at significant frequency in large population cohorts (gnomAD); In silico analysis supports that this missense variant has a deleterious effect on protein structure/function; Has not been previously published as pathogenic or benign to our knowledge

Sema4
Classification: Uncertain significance for Hereditary cancer-predisposing syndrome. Last evaluated: 2021-06-24. Review status: criteria provided, single submitter. Criteria: Sema4 Curation Guidelines. Collection method: curation. Allele origin: germline.
Comment: The MSH3 c.2876C>G (p.T959R) variant has not been reported in the literature to our knowledge. This variant was observed in 4/128752 chromosomes in the Non-Finnish European population, according to the Genome Aggregation Database (PMID: 32461654). This variant has been reported in ClinVar (Variation ID 658794). In silico tools suggest the impact of the variant on protein function is deleterious, though these predictions have not been confirmed by functional studies. The overall evidence is insufficient to meet ACMG/AMP criteria for classifying it as benign or pathogenic. In summary, the clinical significance of this variant is currently uncertain.